The following is an entry in ClinVar:

NM_000350.3(ABCA4):c.342G>C (p.Met114Ile)

Gene: ABCA4 (ATP binding cassette subfamily A member 4; minus strand). Cytogenetic location: 1p22.1.
Variant type: single nucleotide variant.
Coding change: c.342G>C on transcript NM_000350.3 (MANE Select); coding-DNA position 342, G replaced by C.
Protein change: p.Met114Ile; replaces methionine 114 with isoleucine.
Molecular consequence: missense variant.
Genome position (GRCh38, 1-based): chr1:94,108,677, C>G on the plus strand (G>C on the coding strand, the complement: ABCA4 is on the minus strand). VCF-style: chr1-94108677-C-G. GRCh37 (hg19) VCF-style: chr1-94574233-C-G.
Other names: c.342G>C, p.Met114Ile (NM_001425324.1); short protein forms M114I.
Identifiers: ClinVar variation 4293721 (VCV004293721.1).

ClinVar aggregate classification (germline): Uncertain significance (1 of 4 stars; one submission).

Conditions:
Severe early-childhood-onset retinal dystrophy (STGD1). Also called: Stargardt macular dystrophy; Juvenile onset macular degeneration; Stargardt disease 1; MACULAR DYSTROPHY WITH FLECKS, TYPE 1; STGD. Identifiers: Orphanet 364055, Orphanet 827, MedGen C1855465, MeSH D000080362, MONDO:0009549, OMIM 248200.

Submission:

3billion
Classification: Uncertain significance for Severe early-childhood-onset retinal dystrophy. Last evaluated: 2024-12-26. Review status: criteria provided, single submitter. Criteria: ACMG Guidelines, 2015. Collection method: clinical testing. Allele origin: germline. Affected: yes.
Comment: The variant is not observed in the gnomAD v4.1.0 dataset. Predicted Consequence/Location: Missense variant In silico tool predictions suggest damaging effect of the variant on gene or gene product [3Cnet: 0.90 (>=0.6, sensitivity 0.72 and precision 0.9)]. Different missense changes at the same codon have been reported as of uncertain significance (ClinVar ID: VCV003028150). Therefore, this variant is classified as VUS according to the recommendation of ACMG/AMP guideline.